The following is an entry in ClinVar:

NM_001029896.2(WDR45):c.695G>A (p.Arg232His)

Gene: WDR45 (WD repeat domain 45; minus strand). Cytogenetic location: Xp11.23.
Variant type: single nucleotide variant.
Coding change: c.695G>A on transcript NM_001029896.2 (MANE Select); coding-DNA position 695, G replaced by A.
Protein change: p.Arg232His; replaces arginine 232 with histidine.
Molecular consequence: missense variant.
Genome position (GRCh38, 1-based): chrX:49,075,575, C>T on the plus strand (G>A on the coding strand, the complement: WDR45 is on the minus strand). VCF-style: chrX-49075575-C-T. GRCh37 (hg19) VCF-style: chrX-48933234-C-T.
Other names: c.698G>A, p.Arg233His (NM_007075.4); short protein forms R232H, R233H.
Identifiers: ClinVar variation 639948 (VCV000639948.15), dbSNP rs781978699, ClinGen allele CA10408484.

ClinVar aggregate classification (germline): Pathogenic/Likely pathogenic. Review status: criteria provided, multiple submitters, no conflicts (2 of 4 stars). 3 submissions from 3 submitters: Pathogenic (2); Likely pathogenic (1). Last evaluated 2026-01-15.

Conditions:
Neurodegeneration with brain iron accumulation 5 (NBIA5). Also called: STATIC ENCEPHALOPATHY OF CHILDHOOD WITH NEURODEGENERATION IN ADULTHOOD; Beta-propeller protein-associated neurodegeneration. Identifiers: Orphanet 329284, MedGen C3550973, MONDO:0010476, OMIM 300894.

Allele frequency attached by ClinVar (database versions not stated): gnomAD exomes 0.00001.

Submissions (3):

Labcorp Genetics (formerly Invitae), Labcorp
Classification: Pathogenic for Neurodegeneration with brain iron accumulation 5. Last evaluated: 2026-01-15. Review status: criteria provided, single submitter. Criteria: Invitae Variant Classification Sherloc (09022015). Collection method: clinical testing. Allele origin: germline.
Comment: This sequence change replaces arginine, which is basic and polar, with histidine, which is basic and polar, at codon 233 of the WDR45 protein (p.Arg233His). This variant is present in population databases (rs781978699, gnomAD 0.006%). This missense change has been observed in individual(s) with clinical features of WDR45-related conditions (PMID: 36980980; internal data). In at least one individual the variant was observed to be de novo. This variant is also known as c.695G>A (p.Arg232His). ClinVar contains an entry for this variant (Variation ID: 639948). Invitae Evidence Modeling of protein sequence and biophysical properties (such as structural, functional, and spatial information, amino acid conservation, physicochemical variation, residue mobility, and thermodynamic stability) indicates that this missense variant is expected to disrupt WDR45 protein function with a positive predictive value of 80%. For these reasons, this variant has been classified as Pathogenic.

GeneDx
Classification: Pathogenic. Last evaluated: 2023-09-14. Review status: criteria provided, single submitter. Criteria: GeneDx Variant Classification Process June 2021. Collection method: clinical testing. Allele origin: germline. Affected: yes.
Comment: In silico analysis supports that this missense variant has a deleterious effect on protein structure/function; Has not been previously published as pathogenic or benign to our knowledge

Genetics Laboratory, UDIAT-Centre Diagnòstic, Hospital Universitari Parc Tauli
Classification: Likely pathogenic. Last evaluated: 2021-04-26. Review status: criteria provided, single submitter. Criteria: Parc Tauli Hospital Assertion Criteria 2021. Collection method: clinical testing. Allele origin: maternal. Inheritance: X-linked inheritance. Affected: yes. Observed: 1 hemizygote.
Comment: PS1_moderate;PM2_supporting;PP2_supporting;PP3_supporting

Literature cited by the submitters: PubMed 36980980 (cited by Labcorp Genetics (formerly Invitae), Labcorp).